The following is an entry in ClinVar:

NM_003136.4(SRP54):c.1496T>C (p.Met499Thr)

Gene: SRP54 (signal recognition particle 54; plus strand). Cytogenetic location: 14q13.2.
Variant type: single nucleotide variant.
Coding change: c.1496T>C on transcript NM_003136.4 (MANE Select); coding-DNA position 1496, T replaced by C.
Protein change: p.Met499Thr; replaces methionine 499 with threonine.
Molecular consequence: missense variant.
Genome position (GRCh38, 1-based): chr14:35,029,133, T>C. VCF-style: chr14-35029133-T-C. GRCh37 (hg19) VCF-style: chr14-35498339-T-C.
Other names: c.1349T>C, p.Met450Thr (NM_001146282.2); c.1325T>C, p.Met442Thr (NM_001411017.1); short protein forms M450T, M499T, M442T.
Identifiers: ClinVar variation 2866321 (VCV002866321.3), dbSNP rs1189261921, ClinGen allele CA389449641.

ClinVar aggregate classification (germline): Uncertain significance (1 of 4 stars; one submission).

Allele frequency attached by ClinVar (database versions not stated): gnomAD exomes below 0.00001.
gnomAD v4.1: 2 of 1,613,958 alleles (0.00012%); highest among the groups gnomAD compares: Non-Finnish European, 0.000085%; no homozygotes.

Submission:

Labcorp Genetics (formerly Invitae), Labcorp
Classification: Uncertain significance. Last evaluated: 2023-05-20. Review status: criteria provided, single submitter. Criteria: Invitae Variant Classification Sherloc (09022015). Collection method: clinical testing. Allele origin: germline.
Comment: In summary, the available evidence is currently insufficient to determine the role of this variant in disease. Therefore, it has been classified as a Variant of Uncertain Significance. Experimental studies and prediction algorithms are not available or were not evaluated, and the functional significance of this variant is currently unknown. This variant has not been reported in the literature in individuals affected with SRP54-related conditions. This variant is present in population databases (no rsID available, gnomAD 0.01%). This sequence change replaces methionine, which is neutral and non-polar, with threonine, which is neutral and polar, at codon 499 of the SRP54 protein (p.Met499Thr).